The following is an entry in ClinVar:

NM_005431.2(XRCC2):c.707A>G (p.Lys236Arg)

Gene: XRCC2 (X-ray repair cross complementing 2; minus strand). Cytogenetic location: 7q36.1.
Variant type: single nucleotide variant.
Coding change: c.707A>G on transcript NM_005431.2 (MANE Select); coding-DNA position 707, A replaced by G.
Protein change: p.Lys236Arg; replaces lysine 236 with arginine.
Molecular consequence: missense variant.
Genome position (GRCh38, 1-based): chr7:152,648,778, T>C on the plus strand (A>G on the coding strand, the complement: XRCC2 is on the minus strand). VCF-style: chr7-152648778-T-C. GRCh37 (hg19) VCF-style: chr7-152345863-T-C.
Other names: short protein forms K236R.
Identifiers: ClinVar variation 3471475 (VCV003471475.1).

ClinVar aggregate classification (germline): Uncertain significance (1 of 4 stars; one submission).

Conditions:
Hereditary cancer-predisposing syndrome. Also called: Tumor predisposition; Neoplastic Syndromes, Hereditary; Hereditary neoplastic syndrome; Hereditary Cancer Syndrome. Identifiers: Orphanet 140162, MedGen C0027672, MeSH D009386, MONDO:0015356.

Submission:

Ambry Genetics
Classification: Uncertain significance for Hereditary cancer-predisposing syndrome. Last evaluated: 2024-10-18. Review status: criteria provided, single submitter. Criteria: Ambry Variant Classification Scheme 2023. Collection method: clinical testing. Allele origin: germline.
Comment: The p.K236R variant (also known as c.707A>G), located in coding exon 3 of the XRCC2 gene, results from an A to G substitution at nucleotide position 707. The lysine at codon 236 is replaced by arginine, an amino acid with highly similar properties. This amino acid position is conserved. In addition, this alteration is predicted to be tolerated by in silico analysis. Based on the available evidence, the clinical significance of this variant remains unclear.